The following is an entry in ClinVar:

ClinVar aggregate classification (germline): Conflicting classifications of pathogenicity. Review status: criteria provided, conflicting classifications (1 of 4 stars). 12 submissions from 11 submitters: Uncertain significance (4); Benign (1); Likely benign (5). 2 of the submissions do not count toward it. Last evaluated 2026-05-24.

Conditions:
BRCA2-related disorder. Also called: BRCA2-related condition; BRCA2-related disorders. Identifiers: MedGen CN239275.
Hereditary cancer-predisposing syndrome. Also called: Tumor predisposition; Neoplastic Syndromes, Hereditary; Hereditary neoplastic syndrome; Hereditary Cancer Syndrome. Identifiers: Orphanet 140162, MedGen C0027672, MeSH D009386, MONDO:0015356.
Hereditary breast ovarian cancer syndrome. Also called: Hereditary breast and ovarian cancer syndrome; Hereditary breast and ovarian cancer; Hereditary breast and ovarian cancer syndrome (HBOC); Hereditary breast and/or ovarian cancer syndrome; BRCA1- and BRCA2-Associated Hereditary Breast and Ovarian Cancer; Breast and ovarian cancer. Identifiers: Orphanet 145, MedGen C0677776, MeSH D061325, MONDO:0003582. Disease mechanism: loss of function.
Fanconi anemia complementation group D1. Also called: BRCA2-Related Fanconi Anemia. Identifiers: Orphanet 319462, MedGen C1838457, MONDO:0011584, OMIM 605724.
Breast-ovarian cancer, familial, susceptibility to, 2 (BROVCA2). Also called: BRCA2 Hereditary Breast and Ovarian Cancer. Identifiers: Orphanet 145, MedGen C2675520, MONDO:0012933, OMIM 612555. Disease mechanism: loss of function.

Allele frequency attached by ClinVar (database versions not stated): ExAC 0.00001; gnomAD 0.00001; TOPMed 0.00001.
gnomAD v4.1: 33 of 1,613,892 alleles (0.002%); highest among the groups gnomAD compares: Non-Finnish European, 0.0026%; no homozygotes.

Submissions (12):

PreventionGenetics, part of Exact Sciences
Classification: Likely benign for BRCA2-related condition. Last evaluated: 2026-05-24. Review status: criteria provided, single submitter. Criteria: ACMG Guidelines, 2015. Collection method: clinical testing. Allele origin: germline.
Comment: This variant is classified as likely benign based on ACMG/AMP sequence variant interpretation guidelines (Richards et al. 2015 PMID: 25741868, with internal and published modifications).

Labcorp Genetics (formerly Invitae), Labcorp
Classification: Likely benign for Hereditary breast ovarian cancer syndrome. Last evaluated: 2025-12-18. Review status: criteria provided, single submitter. Criteria: Invitae Variant Classification Sherloc (09022015). Collection method: clinical testing. Allele origin: germline.

Quest Diagnostics Nichols Institute San Juan Capistrano
Classification: Uncertain significance. Last evaluated: 2023-07-17. Review status: criteria provided, single submitter. Criteria: Quest Diagnostics criteria. Collection method: clinical testing. Allele origin: unknown.
Comment: In the published literature, this variant has been reported in individuals with breast and/or ovarian cancer (PMIDs: 23884708 (2014) and 34326862 (2021)). The frequency of this variant in the general population, 0.000026 (3/113678 chromosomes (Genome Aggregation Database)), is uninformative in the assessment of its pathogenicity. Analysis of this variant using bioinformatics tools for the prediction of the effect of amino acid changes on protein structure and function yielded predictions that this variant is benign. Based on the available information, we are unable to determine the clinical significance of this variant.

St. Jude Molecular Pathology, St. Jude Children's Research Hospital
Classification: Uncertain significance for Hereditary breast ovarian cancer syndrome. Last evaluated: 2021-09-01. Review status: criteria provided, single submitter. Criteria: St. Jude Assertion Criteria 2020. Collection method: clinical testing. Allele origin: germline.

Women's Health and Genetics/Laboratory Corporation of America, LabCorp
Classification: Likely benign. Last evaluated: 2020-10-26. Review status: criteria provided, single submitter. Criteria: LabCorp Variant Classification Summary - May 2015. Collection method: clinical testing. Allele origin: germline.
Comment: Variant summary: BRCA2 c.9433G>C (p.Val3145Leu) results in a conservative amino acid change located in the BRCA2, OB3 domain of the encoded protein sequence. Five of five in-silico tools predict a benign effect of the variant on protein function. The variant allele was found at a frequency of 1.2e-05 in 251342 control chromosomes. The available data on variant occurrences in the general population are insufficient to allow any conclusion about variant significance. c.9433G>C has been reported in the literature in at-least one individual affected with cancer (example, McVeigh_2013). Theis report does not provide unequivocal conclusions about association of the variant with Hereditary Breast And Ovarian Cancer Syndrome. At-least one co-occurrence with another pathogenic variant has been observed at our laboratory ( BRCA2 c.3847_3848delGT , p.V1283fs*2), providing supporting evidence for a benign role. To our knowledge, no experimental evidence demonstrating an impact on protein function has been reported. Six clinical diagnostic laboratories have submitted clinical-significance assessments for this variant to ClinVar after 2014 without evidence for independent evaluation. Multiple laboratories reported the variant with conflicting assessments (benign/likely benign, n=4). Based on the evidence outlined above and to reflect the emerging majority consensus in the field, the variant was re-classified as likely benign.

GeneDx
Classification: Likely benign. Last evaluated: 2019-05-23. Review status: criteria provided, single submitter. Criteria: GeneDx Variant Classification Process June 2021. Collection method: clinical testing. Allele origin: germline. Affected: yes.
Comment: This variant is associated with the following publications: (PMID: 23884708)

Ambry Genetics
Classification: Likely benign for Hereditary cancer-predisposing syndrome. Last evaluated: 2019-05-02. Review status: criteria provided, single submitter. Criteria: Ambry Variant Classification Scheme 2023. Collection method: clinical testing. Allele origin: germline.

Illumina Laboratory Services, Illumina
Classification: Uncertain significance for Breast-ovarian cancer, familial, susceptibility to, 2. Last evaluated: 2017-04-27. Review status: criteria provided, single submitter. Criteria: ICSL Variant Classification Criteria 13 December 2019. Collection method: clinical testing. Allele origin: germline.
Comment: This variant was observed as part of a predisposition screen in an ostensibly healthy population. A literature search was performed for the gene, cDNA change, and amino acid change (where applicable). Publications were found based on this search. However, the evidence from the literature, in combination with allele frequency data from public databases where available, was not sufficient to rule this variant in or out of causing disease. Therefore, this variant is classified as a variant of unknown significance.

Illumina Laboratory Services, Illumina
Classification: Uncertain significance for Fanconi anemia complementation group D1. Last evaluated: 2017-04-27. Review status: criteria provided, single submitter. Criteria: ICSL Variant Classification Criteria 13 December 2019. Collection method: clinical testing. Allele origin: germline.

Color Diagnostics, LLC DBA Color Health
Classification: Benign for Hereditary cancer-predisposing syndrome. Last evaluated: 2016-11-18. Review status: criteria provided, single submitter. Criteria: ACMG Guidelines, 2015. Collection method: clinical testing. Allele origin: germline.

Sharing Clinical Reports Project (SCRP)
Classification: Benign for Breast-ovarian cancer, familial 2. Last evaluated: 2012-01-04. Review status: no assertion criteria provided. Collection method: clinical testing. Allele origin: germline. Not counted in ClinVar's aggregate classification.

Department of Pathology and Laboratory Medicine, Sinai Health System
Classification: Uncertain significance. Review status: no assertion criteria provided. Collection method: clinical testing. Allele origin: unknown. Affected: yes. Observed: 1 variant allele. Study: The Canadian Open Genetics Repository (COGR). Not counted in ClinVar's aggregate classification.
Comment: The BRCA2 p.Val3145Leu variant was not identified in the literature, nor was it identified in the dbSNP, 1000 Genomes Project, NHLBI Exome Sequencing Project, HGMD, LOVD, COSMIC, UMD or BIC databases. The p.Val3145 residue is not conserved in mammals and the variant amino acid leucine (Leu) is present in zebrafish, increasing the likelihood that this variant does not have clinical significance. Computational analyses (PolyPhen-2, SIFT, AlignGVGD, BLOSUM) do not suggest a high likelihood of impact to the protein; however, this information is not predictive enough to rule out pathogenicity. In summary, based on the above information, the clinical significance of this variant cannot be determined with certainty at this time. This variant is classified as a variant of unknown significance.

Literature cited by the submitters: PubMed 23884708 (cited by 3 submitters); PubMed 34326862 (cited by Quest Diagnostics Nichols Institute San Juan Capistrano); PubMed 28726806 (cited by Quest Diagnostics Nichols Institute San Juan Capistrano).

NM_000059.4(BRCA2):c.9433G>C (p.Val3145Leu)

Gene: BRCA2 (BRCA2 DNA repair associated; plus strand). Cytogenetic location: 13q13.1.
Variant type: single nucleotide variant.
Coding change: c.9433G>C on transcript NM_000059.4 (MANE Select); coding-DNA position 9433, G replaced by C.
Protein change: p.Val3145Leu; replaces valine 3145 with leucine.
Molecular consequence: missense variant.
Genome position (GRCh38, 1-based): chr13:32,394,865, G>C. VCF-style: chr13-32394865-G-C. GRCh37 (hg19) VCF-style: chr13-32969002-G-C.
Other names: 9661G>C; short protein forms V3145L.
Identifiers: ClinVar variation 141038 (VCV000141038.34), dbSNP rs587776476, ClinGen allele CA026155.